The following is an entry in ClinVar:

ClinVar aggregate classification (germline): Uncertain significance (1 of 4 stars; one submission).

Conditions:
Sialuria. Also called: Sialic Acid Storage Disease; SIALURIA, FRENCH TYPE. Identifiers: Orphanet 3166, MedGen C0342853, MONDO:0010028, OMIM 269921.
GNE myopathy (NM). Also called: NONAKA DISTAL MYOPATHY; INCLUSION BODY MYOPATHY, HEREDITARY, AUTOSOMAL RECESSIVE; INCLUSION BODY MYOPATHY 2, AUTOSOMAL RECESSIVE; IBM 2; Inclusion body myopathy autosomal recessive; Inclusion body myopathy quadriceps sparing. Identifiers: Orphanet 602, MedGen C1853926, MONDO:0011603, OMIM 605820.

Submission:

Labcorp Genetics (formerly Invitae), Labcorp
Classification: Uncertain significance for Sialuria; GNE myopathy. Last evaluated: 2021-07-16. Review status: criteria provided, single submitter. Criteria: Invitae Variant Classification Sherloc (09022015). Collection method: clinical testing. Allele origin: germline.
Comment: In summary, the available evidence is currently insufficient to determine the role of this variant in disease. Therefore, it has been classified as a Variant of Uncertain Significance. Algorithms developed to predict the effect of missense changes on protein structure and function (SIFT, PolyPhen-2, Align-GVGD) all suggest that this variant is likely to be disruptive. This variant has not been reported in the literature in individuals affected with GNE-related conditions. This variant is not present in population databases (ExAC no frequency). This sequence change replaces tyrosine with cysteine at codon 187 of the GNE protein (p.Tyr187Cys). The tyrosine residue is highly conserved and there is a large physicochemical difference between tyrosine and cysteine.

NM_005476.7(GNE):c.467A>G (p.Tyr156Cys)

Gene: GNE (glucosamine (UDP-N-acetyl)-2-epimerase/N-acetylmannosamine kinase; minus strand). Cytogenetic location: 9p13.3.
Variant type: single nucleotide variant.
Coding change: c.467A>G on transcript NM_005476.7 (MANE Select); coding-DNA position 467, A replaced by G.
Protein change: p.Tyr156Cys; replaces tyrosine 156 with cysteine.
Molecular consequence: missense variant.
Genome position (GRCh38, 1-based): chr9:36,246,180, T>C on the plus strand (A>G on the coding strand, the complement: GNE is on the minus strand). VCF-style: chr9-36246180-T-C. GRCh37 (hg19) VCF-style: chr9-36246177-T-C.
Other names: c.560A>G, p.Tyr187Cys (NM_001128227.3); c.467A>G, p.Tyr156Cys (NM_001190383.3, NM_001374797.1); c.290A>G, p.Tyr97Cys (NM_001190384.3, NM_001190388.2, NM_001374798.1); short protein forms Y156C, Y187C, Y97C.
Identifiers: ClinVar variation 1367872 (VCV001367872.8), dbSNP rs2133112366, ClinGen allele CA373418564.